The following is an entry in ClinVar:

ClinVar aggregate classification (germline): Uncertain significance (1 of 4 stars; one submission).

Conditions:
Neuronal ceroid lipofuscinosis. Also called: Neuronal Ceroid Lipofuscinoses. Identifiers: Orphanet 216, Orphanet 79263, MedGen C0027877, MONDO:0016295. Disease mechanism: loss of function.

Allele frequency attached by ClinVar (database versions not stated): gnomAD 0.00002; TOPMed 0.00002.

Submission:

Labcorp Genetics (formerly Invitae), Labcorp
Classification: Uncertain significance for Neuronal ceroid lipofuscinosis. Last evaluated: 2022-03-19. Review status: criteria provided, single submitter. Criteria: Invitae Variant Classification Sherloc (09022015). Collection method: clinical testing. Allele origin: germline.
Comment: This sequence change falls in intron 1 of the CTSD gene. It does not directly change the encoded amino acid sequence of the CTSD protein. It affects a nucleotide within the consensus splice site. This variant is not present in population databases (gnomAD no frequency). This variant has not been reported in the literature in individuals affected with CTSD-related conditions. ClinVar contains an entry for this variant (Variation ID: 646510). Variants that disrupt the consensus splice site are a relatively common cause of aberrant splicing (PMID: 17576681, 9536098). Algorithms developed to predict the effect of sequence changes on RNA splicing suggest that this variant is not likely to affect RNA splicing. In summary, the available evidence is currently insufficient to determine the role of this variant in disease. Therefore, it has been classified as a Variant of Uncertain Significance.

Literature cited by the submitters: PubMed 17576681; PubMed 9536098.

NM_001909.5(CTSD):c.68+6G>A

Gene: CTSD (cathepsin D; minus strand). Cytogenetic location: 11p15.5.
Variant type: single nucleotide variant.
Coding change: c.68+6G>A on transcript NM_001909.5 (MANE Select); 6 bases into the intron after coding-DNA position 68, G replaced by A.
Molecular consequence: intron variant.
Genome position (GRCh38, 1-based): chr11:1,763,786, C>T on the plus strand (G>A on the coding strand, the complement: CTSD is on the minus strand). VCF-style: chr11-1763786-C-T. GRCh37 (hg19) VCF-style: chr11-1785016-C-T.
Identifiers: ClinVar variation 646510 (VCV000646510.6), dbSNP rs1011130987, ClinGen allele CA216183623.